The following is an entry in ClinVar:

ClinVar aggregate classification (germline): Benign (1 of 4 stars; one submission).

Allele frequency attached by ClinVar (database versions not stated): 1000 Genomes Project 30x 0.02327; 1000 Genomes Project 0.02416; TOPMed 0.04350; gnomAD 0.05116 and 0.05303.
gnomAD v4.1: 7,782 of 152,246 alleles (5.1%); highest among the groups gnomAD compares: Non-Finnish European, 7.4%; 313 homozygotes.

Submission:

GeneDx
Classification: Benign. Last evaluated: 2018-06-19. Review status: criteria provided, single submitter. Criteria: GeneDx Variant Classification (06012015). Collection method: clinical testing. Allele origin: germline. Affected: yes.
Comment: This variant is considered likely benign or benign based on one or more of the following criteria: it is a conservative change, it occurs at a poorly conserved position in the protein, it is predicted to be benign by multiple in silico algorithms, and/or has population frequency not consistent with disease.

NM_004519.4(KCNQ3):c.778-203T>G

Gene: KCNQ3 (potassium voltage-gated channel subfamily Q member 3; minus strand). Cytogenetic location: 8q24.22.
Variant type: single nucleotide variant.
Coding change: c.778-203T>G on transcript NM_004519.4 (MANE Select); 203 bases into the intron before coding-DNA position 778, T replaced by G.
Molecular consequence: intron variant.
Genome position (GRCh38, 1-based): chr8:132,175,811, A>C on the plus strand (T>G on the coding strand, the complement: KCNQ3 is on the minus strand). VCF-style: chr8-132175811-A-C. GRCh37 (hg19) VCF-style: chr8-133188058-A-C.
Other names: c.418-203T>G (NM_001204824.2).
Identifiers: ClinVar variation 682074 (VCV000682074.1), dbSNP rs10505591, ClinGen allele CA186223503.